The following is an entry in ClinVar:

NM_024685.4(BBS10):c.752C>T (p.Ala251Val)

Gene: BBS10 (Bardet-Biedl syndrome 10; minus strand). Cytogenetic location: 12q21.2.
Variant type: single nucleotide variant.
Coding change: c.752C>T on transcript NM_024685.4 (MANE Select); coding-DNA position 752, C replaced by T.
Protein change: p.Ala251Val; replaces alanine 251 with valine.
Molecular consequence: missense variant.
Genome position (GRCh38, 1-based): chr12:76,347,233, G>A on the plus strand (C>T on the coding strand, the complement: BBS10 is on the minus strand). VCF-style: chr12-76347233-G-A. GRCh37 (hg19) VCF-style: chr12-76741013-G-A.
Other names: c.752C>T, p.Ala251Val (LRG_1255t1); short protein forms A251V.
Identifiers: ClinVar variation 571548 (VCV000571548.12), dbSNP rs149760791, ClinGen allele CA6694295.

ClinVar aggregate classification (germline): Uncertain significance. Review status: criteria provided, multiple submitters, no conflicts (2 of 4 stars). 7 submissions from 7 submitters: Uncertain significance (5). 2 of the submissions do not count toward it. Last evaluated 2025-07-15.

Conditions:
Inborn genetic diseases. Identifiers: MedGen C0950123, MeSH D030342.
Bardet-Biedl syndrome 10 (BBS10). Identifiers: Orphanet 110, MedGen C1859568, MONDO:0014438, OMIM 615987.
BBS10-related disorder. Also called: BBS10-related condition.
Bardet-Biedl syndrome (BBS). Identifiers: Orphanet 110, MedGen C0752166, MONDO:0015229.

Allele frequency attached by ClinVar (database versions not stated): gnomAD exomes 0.00006; ExAC 0.00009; 1000 Genomes Project 30x 0.00016; 1000 Genomes Project 0.00020; gnomAD 0.00031 and 0.00034; TOPMed 0.00033; ESP Exome Variant Server 0.00038.
gnomAD v4.1: 107 of 1,612,510 alleles (0.0066%); highest among the groups gnomAD compares: African/African-American, 0.11%; no homozygotes.

Submissions (7):

Ambry Genetics
Classification: Uncertain significance for Inborn genetic diseases. Last evaluated: 2025-07-15. Review status: criteria provided, single submitter. Criteria: Ambry Variant Classification Scheme 2023. Collection method: clinical testing. Allele origin: germline.

Labcorp Genetics (formerly Invitae), Labcorp
Classification: Uncertain significance for Bardet-Biedl syndrome. Last evaluated: 2025-02-03. Review status: criteria provided, single submitter. Criteria: Invitae Variant Classification Sherloc (09022015). Collection method: clinical testing. Allele origin: germline.
Comment: This sequence change replaces alanine, which is neutral and non-polar, with valine, which is neutral and non-polar, at codon 251 of the BBS10 protein (p.Ala251Val). This variant is present in population databases (rs149760791, gnomAD 0.09%). This variant has not been reported in the literature in individuals affected with BBS10-related conditions. ClinVar contains an entry for this variant (Variation ID: 571548). Invitae Evidence Modeling of protein sequence and biophysical properties (such as structural, functional, and spatial information, amino acid conservation, physicochemical variation, residue mobility, and thermodynamic stability) indicates that this missense variant is not expected to disrupt BBS10 protein function with a negative predictive value of 80%. In summary, the available evidence is currently insufficient to determine the role of this variant in disease. Therefore, it has been classified as a Variant of Uncertain Significance.

Fulgent Genetics
Classification: Uncertain significance for Bardet-Biedl syndrome 10. Last evaluated: 2024-05-14. Review status: criteria provided, single submitter. Criteria: ACMG Guidelines, 2015. Collection method: clinical testing. Allele origin: germline.

Blueprint Genetics
Classification: Uncertain significance. Last evaluated: 2024-03-11. Review status: criteria provided, single submitter. Criteria: ACMG Guidelines, 2015. Collection method: clinical testing. Allele origin: germline.

Baylor Genetics
Classification: Uncertain significance for Bardet-Biedl syndrome 10. Last evaluated: 2018-09-25. Review status: criteria provided, single submitter. Criteria: ACMG Guidelines, 2015. Collection method: clinical testing. Allele origin: unknown. Affected: yes.
Comment: This variant was determined to be of uncertain significance according to ACMG Guidelines, 2015 [PMID:25741868].

PreventionGenetics, part of Exact Sciences
Classification: Uncertain significance for BBS10-related condition. Last evaluated: 2024-03-05. Review status: no assertion criteria provided. Collection method: clinical testing. Allele origin: germline. Not counted in ClinVar's aggregate classification.
Comment: The BBS10 c.752C>T variant is predicted to result in the amino acid substitution p.Ala251Val. To our knowledge, this variant has not been reported in the literature. This variant is reported in 0.084% of alleles in individuals of African descent in gnomAD, which may be too common to be an undocumented primary cause of disease. Although we suspect that this variant may be benign, at this time, the clinical significance of this variant is uncertain due to the absence of conclusive functional and genetic evidence.

Natera, Inc.
Classification: Uncertain significance for Bardet-Biedl syndrome type 10. Last evaluated: 2019-10-28. Review status: no assertion criteria provided. Collection method: clinical testing. Allele origin: germline. Not counted in ClinVar's aggregate classification.